The following is an entry in ClinVar:

ClinVar aggregate classification (germline): Uncertain significance (1 of 4 stars; one submission).

Allele frequency attached by ClinVar (database versions not stated): gnomAD exomes below 0.00001.
gnomAD v4.1: 1 of 1,613,576 alleles (0.000062%); highest among the groups gnomAD compares: Non-Finnish European, 0.000085%; no homozygotes.

Submission:

Labcorp Genetics (formerly Invitae), Labcorp
Classification: Uncertain significance. Last evaluated: 2022-07-25. Review status: criteria provided, single submitter. Criteria: Invitae Variant Classification Sherloc (09022015). Collection method: clinical testing. Allele origin: germline.
Comment: In summary, the available evidence is currently insufficient to determine the role of this variant in disease. Therefore, it has been classified as a Variant of Uncertain Significance. Algorithms developed to predict the effect of missense changes on protein structure and function are either unavailable or do not agree on the potential impact of this missense change (SIFT: "Tolerated"; PolyPhen-2: "Possibly Damaging"; Align-GVGD: "Class C0"). This variant has not been reported in the literature in individuals affected with FOXP1-related conditions. This variant is not present in population databases (gnomAD no frequency). This sequence change replaces valine, which is neutral and non-polar, with isoleucine, which is neutral and non-polar, at codon 283 of the FOXP1 protein (p.Val283Ile).

NM_001349338.3(FOXP1):c.847G>A (p.Val283Ile)

Gene: FOXP1 (forkhead box P1; minus strand). Cytogenetic location: 3p13.
Variant type: single nucleotide variant.
Coding change: c.847G>A on transcript NM_001349338.3 (MANE Select); coding-DNA position 847, G replaced by A.
Protein change: p.Val283Ile; replaces valine 283 with isoleucine.
Molecular consequence: missense variant. On other transcripts: non-coding transcript variant (2).
Genome position (GRCh38, 1-based): chr3:71,041,350, C>T on the plus strand (G>A on the coding strand, the complement: FOXP1 is on the minus strand). VCF-style: chr3-71041350-C-T. GRCh37 (hg19) VCF-style: chr3-71090501-C-T.
Other names: c.847G>A, p.Val283Ile (NM_001244808.3, NM_001244810.2, NM_001244814.3 and 4 more transcripts); c.619G>A, p.Val207Ile (NM_001244812.3); c.547G>A, p.Val183Ile (NM_001244813.3, NM_001244815.2, NM_001349342.3 and 1 more transcripts); c.544G>A, p.Val182Ile (NM_001349337.2, NM_001349343.3, NM_001349344.3); c.844G>A, p.Val282Ile (NM_001349341.3); short protein forms V183I, V207I, V182I, V283I, V282I.
Identifiers: ClinVar variation 2089836 (VCV002089836.4), dbSNP rs2545769550, ClinGen allele CA353562595.